The following is an entry in ClinVar:

ClinVar aggregate classification (germline): Uncertain significance. Review status: criteria provided, multiple submitters, no conflicts (2 of 4 stars). 2 submissions from 2 submitters: Uncertain significance (2). Last evaluated 2026-07-06.

Conditions:
Hereditary cancer-predisposing syndrome. Also called: Hereditary Cancer Syndrome; Neoplastic Syndromes, Hereditary; Hereditary neoplastic syndrome; Tumor predisposition. Identifiers: Orphanet 140162, MedGen C0027672, MeSH D009386, MONDO:0015356.
Familial cancer of breast. Also called: hereditary breast carcinoma; Hereditary breast cancer; BREAST CANCER, FAMILIAL. Identifiers: Orphanet 227535, MedGen C0346153, MONDO:0016419, OMIM 114480. Disease mechanism: loss of function.

Submissions (2):

Ambry Genetics
Classification: Uncertain significance for Hereditary cancer-predisposing syndrome. Last evaluated: 2026-07-06. Review status: criteria provided, single submitter. Criteria: Ambry Variant Classification Scheme 2023. Collection method: clinical testing. Allele origin: germline.
Comment: The p.V934G variant (also known as c.2801T>G), located in coding exon 8 of the PALB2 gene, results from a T to G substitution at nucleotide position 2801. The valine at codon 934 is replaced by glycine, an amino acid with dissimilar properties. This amino acid position is conserved. In addition, the in silico prediction for this alteration is inconclusive. Based on the available evidence, the clinical significance of this variant remains unclear.

Labcorp Genetics (formerly Invitae), Labcorp
Classification: Uncertain significance for Familial cancer of breast. Last evaluated: 2021-12-21. Review status: criteria provided, single submitter. Criteria: Invitae Variant Classification Sherloc (09022015). Collection method: clinical testing. Allele origin: germline.
Comment: This variant is not present in population databases (gnomAD no frequency). In summary, the available evidence is currently insufficient to determine the role of this variant in disease. Therefore, it has been classified as a Variant of Uncertain Significance. Algorithms developed to predict the effect of missense changes on protein structure and function (SIFT, PolyPhen-2, Align-GVGD) all suggest that this variant is likely to be disruptive. This variant has not been reported in the literature in individuals affected with PALB2-related conditions. This sequence change replaces valine, which is neutral and non-polar, with glycine, which is neutral and non-polar, at codon 934 of the PALB2 protein (p.Val934Gly).

NM_024675.4(PALB2):c.2801T>G (p.Val934Gly)

Gene: PALB2 (partner and localizer of BRCA2; minus strand). Cytogenetic location: 16p12.2.
Variant type: single nucleotide variant.
Coding change: c.2801T>G on transcript NM_024675.4 (MANE Select); coding-DNA position 2801, T replaced by G.
Protein change: p.Val934Gly; replaces valine 934 with glycine.
Molecular consequence: missense variant.
Genome position (GRCh38, 1-based): chr16:23,624,042, A>C on the plus strand (T>G on the coding strand, the complement: PALB2 is on the minus strand). VCF-style: chr16-23624042-A-C. GRCh37 (hg19) VCF-style: chr16-23635363-A-C.
Other names: c.2801T>G (NM_024675.3); short protein forms V934G.
Identifiers: ClinVar variation 1431189 (VCV001431189.8), dbSNP rs2142343417, ClinGen allele CA395144969.